The following is an entry in ClinVar:

ClinVar aggregate classification (germline): Uncertain significance (1 of 4 stars; one submission).

gnomAD v4.1: 1 of 1,614,148 alleles (0.000062%); highest among the groups gnomAD compares: Non-Finnish European, 0.000085%; no homozygotes.

Submission:

GeneDx
Classification: Uncertain significance. Last evaluated: 2026-03-28. Review status: criteria provided, single submitter. Criteria: GeneDx Variant Classification Process June 2021. Collection method: clinical testing. Allele origin: germline.
Comment: Not observed at significant frequency in large population cohorts (gnomAD); In silico analysis supports that this missense variant has a deleterious effect on protein structure/function; Has not been previously published as pathogenic or benign to our knowledge

NM_001130004.2(ACTN1):c.1918A>G (p.Asn640Asp)

Gene: ACTN1 (actinin alpha 1; minus strand). Cytogenetic location: 14q24.1.
Variant type: single nucleotide variant.
Coding change: c.1918A>G on transcript NM_001130004.2 (MANE Select); coding-DNA position 1918, A replaced by G.
Protein change: p.Asn640Asp; replaces asparagine 640 with aspartic acid.
Molecular consequence: missense variant.
Genome position (GRCh38, 1-based): chr14:68,882,493, T>C on the plus strand (A>G on the coding strand, the complement: ACTN1 is on the minus strand). VCF-style: chr14-68882493-T-C. GRCh37 (hg19) VCF-style: chr14-69349210-T-C.
Other names: c.1918A>G, p.Asn640Asp (NM_001102.4, NM_001130005.2, NM_001424012.1 and 2 more transcripts); c.1942A>G, p.Asn648Asp (NM_001411035.1, NM_001424016.1); c.1723A>G, p.Asn575Asp (NM_001411036.1, NM_001424026.1, NM_001424028.1); c.2044A>G, p.Asn682Asp (NM_001424013.1); c.2005A>G, p.Asn669Asp (NM_001424015.1); c.1915A>G, p.Asn639Asp (NM_001424017.1); c.1879A>G, p.Asn627Asp (NM_001424018.1); c.1735A>G, p.Asn579Asp (NM_001424019.1, NM_001424024.1, NM_001424025.1 and 2 more transcripts); and 3 more; short protein forms N365D, N575D, N579D, N617D, N619D, N627D, N639D, N640D.
Identifiers: ClinVar variation 5017832 (VCV005017832.1).
Genomic context (GRCh38, chr14:68,882,493, plus strand): 5'-CACTGCTTCCCAGCATGGGACCCACCTCCATCTTGGTCTGGATCCAGGGCCCGATGACAT[T>C]GGCCTGGGCTCCAAACTGCTTGCGTAGCCTCTCATTGTGCTGCTGTCGGGCATGCTCCTC-3'
Protein context (NP_001123476.1, residues 630-650): RLRKQFGAQA[Asn640Asp]VIGPWIQTKM